The following is an entry in ClinVar:

NM_001377.3(DYNC2H1):c.9604A>T (p.Lys3202Ter)

Gene: DYNC2H1 (dynein cytoplasmic 2 heavy chain 1; plus strand). Cytogenetic location: 11q22.3.
Variant type: single nucleotide variant.
Coding change: c.9604A>T on transcript NM_001377.3 (MANE Select); coding-DNA position 9604, A replaced by T.
Protein change: p.Lys3202Ter; replaces lysine 3202 with a stop codon.
Molecular consequence: nonsense.
Genome position (GRCh38, 1-based): chr11:103,235,708, A>T. VCF-style: chr11-103235708-A-T. GRCh37 (hg19) VCF-style: chr11-103106437-A-T.
Other names: c.9604A>T, p.Lys3202Ter (NM_001080463.2); short protein forms K3202*.
Identifiers: ClinVar variation 5015346 (VCV005015346.1).

ClinVar aggregate classification (germline): Pathogenic (1 of 4 stars; one submission).

Conditions:
Asphyxiating thoracic dystrophy 3. Also called: SHORT-RIB THORACIC DYSPLASIA 3 WITH OR WITHOUT POLYDACTYLY; POLYDACTYLY WITH NEONATAL CHONDRODYSTROPHY, TYPE I; SHORT-RIB THORACIC DYSPLASIA 3/6 WITH POLYDACTYLY, DIGENIC; Short rib polydactyly syndrome 2B; Saldino-Noonan Syndrome. Identifiers: Orphanet 474, Orphanet 93269, Orphanet 93270, Orphanet 93271, MedGen C0036069, MONDO:0013127, OMIM 613091.

Submission:

Myriad Genetics, Inc.
Classification: Pathogenic for Asphyxiating thoracic dystrophy 3. Last evaluated: 2025-12-19. Review status: criteria provided, single submitter. Criteria: Myriad Autosomal Dominant, Autosomal Recessive and X-Linked Classification Criteria (2023). Collection method: clinical testing. Allele origin: unknown.
Comment: NM_001377.2(DYNC2H1):c.9604A>T(K3202*) is expected to be pathogenic in the context of DYNC2H1-related disorders. This variant is predicted to lead to an abnormal or absent protein product due to the creation of a premature termination codon in DYNC2H1, a gene where loss-of-function variants are known to be pathogenic. Please note: this variant was assessed in the context of healthy population screening.